The following is an entry in ClinVar:

ClinVar aggregate classification (germline): Likely benign. Review status: criteria provided, single submitter (1 of 4 stars). 2 submissions from 2 submitters: Likely benign (1). 1 of the submissions does not count toward it. Last evaluated 2024-10-30.

Conditions:
TNFAIP3-related disorder. Also called: TNFAIP3-related condition.

Submissions (2):

Blueprint Genetics
Classification: Likely benign. Last evaluated: 2024-10-30. Review status: criteria provided, single submitter. Criteria: ACMG Guidelines, 2015. Collection method: clinical testing. Allele origin: germline.

PreventionGenetics, part of Exact Sciences
Classification: Likely benign for TNFAIP3-related condition. Last evaluated: 2019-02-26. Review status: no assertion criteria provided. Collection method: clinical testing. Allele origin: germline. Not counted in ClinVar's aggregate classification.
Comment: This variant is classified as likely benign based on ACMG/AMP sequence variant interpretation guidelines (Richards et al. 2015 PMID: 25741868, with internal and published modifications).

NM_001270508.2(TNFAIP3):c.1710C>A (p.Leu570=)

Gene: TNFAIP3 (TNF alpha induced protein 3; plus strand). Cytogenetic location: 6q23.3.
Variant type: single nucleotide variant.
Coding change: c.1710C>A on transcript NM_001270508.2 (MANE Select); coding-DNA position 1710, C replaced by A.
Protein change: p.Leu570=; no amino-acid change (leucine 570 retained).
Molecular consequence: synonymous variant.
Genome position (GRCh38, 1-based): chr6:137,879,155, C>A. VCF-style: chr6-137879155-C-A. GRCh37 (hg19) VCF-style: chr6-138200292-C-A.
Other names: c.1710C>A, p.Leu570= (NM_001270507.2, NM_006290.4).
Identifiers: ClinVar variation 3052846 (VCV003052846.3), dbSNP rs542739083, ClinGen allele CA452433461.
Genomic context (GRCh38, chr6:137,879,155, plus strand): 5'-CCTCAGCACCAGCCTCCCTCCTTCCTGTCACCAGCGTTCCAAGTCAGATCCCTCGCGGCT[C>A]GTCCGGAGCCCCTCCCCGCATTCTTGCCACAGAGCTGGAAACGACGCCCCTGCTGGCTGC-3'
Protein context (NP_001257437.1, residues 560-580): HQRSKSDPSR[Leu570=]VRSPSPHSCH